The following is an entry in ClinVar:

ClinVar aggregate classification (germline): Uncertain significance (1 of 4 stars; one submission).

Allele frequency attached by ClinVar (database versions not stated): gnomAD exomes below 0.00001 and 0.00001; ExAC 0.00001; gnomAD 0.00003 and 0.00004; TOPMed 0.00004.
gnomAD v4.1: 16 of 1,613,938 alleles (0.00099%); highest among the groups gnomAD compares: Middle Eastern, 0.016%; no homozygotes.

Submission:

Labcorp Genetics (formerly Invitae), Labcorp
Classification: Uncertain significance. Last evaluated: 2021-08-26. Review status: criteria provided, single submitter. Criteria: Invitae Variant Classification Sherloc (09022015). Collection method: clinical testing. Allele origin: germline.
Comment: This sequence change replaces tyrosine with cysteine at codon 403 of the PCDH15 protein (p.Tyr403Cys). The tyrosine residue is highly conserved and there is a large physicochemical difference between tyrosine and cysteine. This variant is present in population databases (rs767558664, ExAC 0.01%). This variant has not been reported in the literature in individuals affected with PCDH15-related conditions. Algorithms developed to predict the effect of missense changes on protein structure and function are either unavailable or do not agree on the potential impact of this missense change (SIFT: "Deleterious"; PolyPhen-2: "Probably Damaging"; Align-GVGD: "Class C0"). In summary, the available evidence is currently insufficient to determine the role of this variant in disease. Therefore, it has been classified as a Variant of Uncertain Significance.

NM_001384140.1(PCDH15):c.1208A>G (p.Tyr403Cys)

Gene: PCDH15 (protocadherin related 15; minus strand). Cytogenetic location: 10q21.1.
Variant type: single nucleotide variant.
Coding change: c.1208A>G on transcript NM_001384140.1 (MANE Select); coding-DNA position 1208, A replaced by G.
Protein change: p.Tyr403Cys; replaces tyrosine 403 with cysteine.
Molecular consequence: missense variant.
Genome position (GRCh38, 1-based): chr10:54,195,780, T>C on the plus strand (A>G on the coding strand, the complement: PCDH15 is on the minus strand). VCF-style: chr10-54195780-T-C. GRCh37 (hg19) VCF-style: chr10-55955540-T-C.
Other names: c.1223A>G, p.Tyr408Cys (NM_001142763.2, NM_001142769.4, NM_001142771.2); c.1208A>G, p.Tyr403Cys (NM_001142764.2, NM_001142765.2, NM_001142766.2 and 7 more transcripts); c.1097A>G, p.Tyr366Cys (NM_001142767.2); c.1142A>G, p.Tyr381Cys (NM_001142768.2, NM_001142773.2, NM_001354404.2); short protein forms Y403C, Y408C, Y366C, Y381C.
Identifiers: ClinVar variation 1400307 (VCV001400307.5), dbSNP rs767558664, ClinGen allele CA5506465.